The following is an entry in ClinVar:

NM_144997.7(FLCN):c.649C>T (p.Gln217Ter)

Gene: FLCN (folliculin; minus strand). Cytogenetic location: 17p11.2.
Variant type: single nucleotide variant.
Coding change: c.649C>T on transcript NM_144997.7 (MANE Select); coding-DNA position 649, C replaced by T.
Protein change: p.Gln217Ter; replaces glutamine 217 with a stop codon.
Molecular consequence: nonsense.
Genome position (GRCh38, 1-based): chr17:17,222,631, G>A on the plus strand (C>T on the coding strand, the complement: FLCN is on the minus strand). VCF-style: chr17-17222631-G-A. GRCh37 (hg19) VCF-style: chr17-17125945-G-A.
Other names: c.649C>T (LRG_325t1); c.703C>T, p.Gln235Ter (NM_001353229.2); c.649C>T, p.Gln217Ter (NM_001353230.2, NM_001353231.2, NM_144606.7); short protein forms Q217*, Q235*.
Identifiers: ClinVar variation 449402 (VCV000449402.8), dbSNP rs1555609899, ClinGen allele CA398534088.

ClinVar aggregate classification (germline): Pathogenic. Review status: criteria provided, multiple submitters, no conflicts (2 of 4 stars). 3 submissions from 3 submitters: Pathogenic (3). Last evaluated 2024-12-20.

Conditions:
Hereditary cancer-predisposing syndrome. Also called: Tumor predisposition; Hereditary Cancer Syndrome; Neoplastic Syndromes, Hereditary; Hereditary neoplastic syndrome. Identifiers: Orphanet 140162, MedGen C0027672, MeSH D009386, MONDO:0015356.
Birt-Hogg-Dube syndrome. Also called: Birt Hogg Dubé syndrome. Identifiers: Orphanet 122, MedGen C0346010, MONDO:0800444.

Submissions (3):

Ambry Genetics
Classification: Pathogenic for Hereditary cancer-predisposing syndrome. Last evaluated: 2024-12-20. Review status: criteria provided, single submitter. Criteria: Ambry Variant Classification Scheme 2023. Collection method: clinical testing. Allele origin: germline.
Comment: The p.Q217* pathogenic mutation (also known as c.649C>T), located in coding exon 4 of the FLCN gene, results from a C to T substitution at nucleotide position 649. This changes the amino acid from a glutamine to a stop codon within coding exon 4. This variant is considered to be rare based on population cohorts in the Genome Aggregation Database (gnomAD). In addition to the information presented in the literature, this alteration is expected to result in loss of function by premature protein truncation or nonsense-mediated mRNA decay. As such, this alteration is interpreted as a disease-causing mutation.

Labcorp Genetics (formerly Invitae), Labcorp
Classification: Pathogenic for Birt-Hogg-Dube syndrome. Last evaluated: 2023-07-03. Review status: criteria provided, single submitter. Criteria: Invitae Variant Classification Sherloc (09022015). Collection method: clinical testing. Allele origin: germline.
Comment: For these reasons, this variant has been classified as Pathogenic. ClinVar contains an entry for this variant (Variation ID: 449402). This premature translational stop signal has been observed in individual(s) with clinical features of Birt-Hogg-Dubé syndrome (PMID: 19785621, 29357828). This variant is not present in population databases (gnomAD no frequency). This sequence change creates a premature translational stop signal (p.Gln217*) in the FLCN gene. It is expected to result in an absent or disrupted protein product. Loss-of-function variants in FLCN are known to be pathogenic (PMID: 15852235).

GeneDx
Classification: Pathogenic. Last evaluated: 2017-09-01. Review status: criteria provided, single submitter. Criteria: GeneDx Variant Classification (06012015). Collection method: clinical testing. Allele origin: germline. Affected: yes.
Comment: The Q217X nonsense variant in the FLCN gene has been reported previously in at least one individual with features consistent with Birt-Hogg-Dube syndrome (Kluger et al., 2010). This variant is predicted to cause loss of normal protein function either through protein truncation or nonsense-mediated mRNA decay. The Q217X variant is not observed in large population cohorts (Lek et al., 2016; 1000 Genomes Consortium et al., 2015; Exome Variant Server). Based on currently available evidence, we consider Q217X to be pathogenic.

Literature cited by the submitters: PubMed 19785621 (cited by Ambry Genetics and Labcorp Genetics (formerly Invitae), Labcorp); PubMed 29357828 (cited by Labcorp Genetics (formerly Invitae), Labcorp); PubMed 15852235 (cited by Labcorp Genetics (formerly Invitae), Labcorp).